The following is an entry in ClinVar:

NM_007137.5(ZNF81):c.1216A>C (p.Lys406Gln)

Gene: ZNF81 (zinc finger protein 81; plus strand). Cytogenetic location: Xp11.23.
Variant type: single nucleotide variant.
Coding change: c.1216A>C on transcript NM_007137.5 (MANE Select); coding-DNA position 1216, A replaced by C.
Protein change: p.Lys406Gln; replaces lysine 406 with glutamine.
Molecular consequence: missense variant. On other transcripts: intron variant (2).
Genome position (GRCh38, 1-based): chrX:47,915,862, A>C. VCF-style: chrX-47915862-A-C. GRCh37 (hg19) VCF-style: chrX-47775261-A-C.
Other names: c.1216A>C, p.Lys406Gln (NM_001378152.1, NM_001378153.1); c.278-8062A>C (NM_001378154.1); c.278-5446A>C (NM_001378155.1); short protein forms K406Q.
Identifiers: ClinVar variation 4829085 (VCV004829085.1).

ClinVar aggregate classification (germline): Uncertain significance (1 of 4 stars; one submission).

gnomAD v4.1: 3 of 1,208,533 alleles (0.00025%); highest among the groups gnomAD compares: Admixed American, 0.0066%; no homozygotes.

Submission:

Ambry Genetics
Classification: Uncertain significance. Last evaluated: 2026-02-17. Review status: criteria provided, single submitter. Criteria: Ambry Variant Classification Scheme 2023. Collection method: clinical testing. Allele origin: germline.
Comment: The c.1216A>C (p.K406Q) alteration is located in exon 5 (coding exon 4) of the ZNF81 gene. This alteration results from a A to C substitution at nucleotide position 1216, causing the lysine (K) at amino acid position 406 to be replaced by a glutamine (Q). Based on data from gnomAD, the C allele has an overall frequency of 0.001% (2/179326) total alleles studied. The highest observed frequency was 0.007% (2/26859) of Latino alleles. Based on insufficient or conflicting evidence, the clinical significance of this alteration remains unclear.